The following is an entry in ClinVar:

NM_000593.6(TAP1):c.1593C>T (p.Gly531=)

Gene: TAP1 (transporter 1, ATP binding cassette subfamily B member; minus strand). Cytogenetic location: 6p21.32.
Variant type: single nucleotide variant.
Coding change: c.1593C>T on transcript NM_000593.6 (MANE Select); coding-DNA position 1593, C replaced by T.
Protein change: p.Gly531=; no amino-acid change (glycine 531 retained).
Molecular consequence: synonymous variant.
Genome position (GRCh38, 1-based): chr6:32,848,066, G>A on the plus strand (C>T on the coding strand, the complement: TAP1 is on the minus strand). VCF-style: chr6-32848066-G-A. GRCh37 (hg19) VCF-style: chr6-32815843-G-A.
Other names: c.990C>T, p.Gly330= (NM_001292022.2).
Identifiers: ClinVar variation 534718 (VCV000534718.15), dbSNP rs144951468, ClinGen allele CA3746729.

ClinVar aggregate classification (germline): Benign/Likely benign. Review status: criteria provided, multiple submitters, no conflicts (2 of 4 stars). 3 submissions from 3 submitters: Benign (1); Likely benign (2). Last evaluated 2026-01-30.

Conditions:
MHC class I deficiency. Identifiers: Orphanet 34592, MedGen C6024714, MONDO:0011476.

Allele frequency attached by ClinVar (database versions not stated): gnomAD exomes 0.00016 and 0.00022; ExAC 0.00034; gnomAD 0.00035; 1000 Genomes Project 0.00040; TOPMed 0.00053; 1000 Genomes Project 30x 0.00062; ESP Exome Variant Server 0.00071.
gnomAD v4.1: 312 of 1,611,186 alleles (0.019%); highest among the groups gnomAD compares: African/African-American, 0.13%; 1 homozygote.

Submissions (5):

Women's Health and Genetics/Laboratory Corporation of America, LabCorp
Classification: Benign. Last evaluated: 2026-01-30. Review status: criteria provided, single submitter. Criteria: LabCorp Variant Classification Summary - May 2015. Collection method: clinical testing. Allele origin: germline.
Comment: Variant summary: TAP1 c.1593C>T alters a conserved nucleotide resulting in a synonymous change. Several computational tools predict a significant impact on normal splicing: Four predict the variant strengthens a 5' donor site. However, these predictions have yet to be confirmed by functional studies. The variant allele was found at a frequency of 0.00022 in 240774 control chromosomes, predominantly at a frequency of 0.0014 within the African or African-American subpopulation in the gnomAD database. The observed variant frequency within African or African-American control individuals in the gnomAD database exceeds the estimated maximal expected allele frequency for disease-causing variants in TAP1. To our knowledge, no occurrence of c.1593C>T in individuals affected with TAP1-related conditions and no experimental evidence demonstrating its impact on protein function have been reported. ClinVar contains an entry for this variant (Variation ID: 534718). Based on the evidence outlined above, the variant was classified as benign.

Labcorp Genetics (formerly Invitae), Labcorp
Classification: Likely benign for MHC class I deficiency 1. Last evaluated: 2025-12-21. Review status: criteria provided, single submitter. Criteria: Invitae Variant Classification Sherloc (09022015). Collection method: clinical testing. Allele origin: germline.

Blueprint Genetics
Classification: Likely benign. Last evaluated: 2023-09-04. Review status: criteria provided, single submitter. Criteria: ACMG Guidelines, 2015. Collection method: clinical testing. Allele origin: germline.

Dr. Peter K. Rogan Lab, Western University
No classification provided (evidence only). Condition: Ovarian serous cystadenocarcinoma. Review status: no classification provided. Collection method: in vitro. Allele origin: not applicable. Functional consequence: retained intron. Not counted in ClinVar's aggregate classification.

Dr. Peter K. Rogan Lab, Western University
No classification provided (evidence only). Condition: Uveal melanoma. Review status: no classification provided. Collection method: in vitro. Allele origin: not applicable. Functional consequence: retained intron. Not counted in ClinVar's aggregate classification.